The following is an entry in ClinVar:

NM_015378.4(VPS13D):c.8216G>A (p.Arg2739His)

Gene: VPS13D (vacuolar protein sorting 13 homolog D; plus strand). Cytogenetic location: 1p36.22.
Variant type: single nucleotide variant.
Coding change: c.8216G>A on transcript NM_015378.4 (MANE Select); coding-DNA position 8216, G replaced by A.
Protein change: p.Arg2739His; replaces arginine 2739 with histidine.
Molecular consequence: missense variant.
Genome position (GRCh38, 1-based): chr1:12,329,847, G>A. VCF-style: chr1-12329847-G-A. GRCh37 (hg19) VCF-style: chr1-12389904-G-A.
Other names: c.8216G>A, p.Arg2739His (NM_018156.4); short protein forms R2739H.
Identifiers: ClinVar variation 1967228 (VCV001967228.6), dbSNP rs762329183, ClinGen allele CA603057.

ClinVar aggregate classification (germline): Conflicting classifications of pathogenicity. Review status: criteria provided, conflicting classifications (1 of 4 stars). 2 submissions from 2 submitters: Uncertain significance (1); Likely benign (1). Last evaluated 2024-04-25.

Conditions:
Inborn genetic diseases. Identifiers: MedGen C0950123, MeSH D030342.

Allele frequency attached by ClinVar (database versions not stated): TOPMed 0.00002; gnomAD 0.00003.
gnomAD v4.1: 26 of 1,613,956 alleles (0.0016%); highest among the groups gnomAD compares: East Asian, 0.0067%; no homozygotes.

Submissions (2):

Labcorp Genetics (formerly Invitae), Labcorp
Classification: Uncertain significance. Last evaluated: 2024-04-25. Review status: criteria provided, single submitter. Criteria: Invitae Variant Classification Sherloc (09022015). Collection method: clinical testing. Allele origin: germline.
Comment: This sequence change replaces arginine, which is basic and polar, with histidine, which is basic and polar, at codon 2739 of the VPS13D protein (p.Arg2739His). This variant is present in population databases (rs762329183, gnomAD 0.009%). This variant has not been reported in the literature in individuals affected with VPS13D-related conditions. ClinVar contains an entry for this variant (Variation ID: 1967228). Advanced modeling of protein sequence and biophysical properties (such as structural, functional, and spatial information, amino acid conservation, physicochemical variation, residue mobility, and thermodynamic stability) performed at Invitae indicates that this missense variant is not expected to disrupt VPS13D protein function with a negative predictive value of 80%. In summary, the available evidence is currently insufficient to determine the role of this variant in disease. Therefore, it has been classified as a Variant of Uncertain Significance.

Ambry Genetics
Classification: Likely benign for Inborn genetic diseases. Last evaluated: 2022-04-07. Review status: criteria provided, single submitter. Criteria: Ambry Variant Classification Scheme 2023. Collection method: clinical testing. Allele origin: germline.